The following is an entry in ClinVar:

ClinVar aggregate classification (germline): Benign/Likely benign. Review status: criteria provided, multiple submitters, no conflicts (2 of 4 stars). 8 submissions from 8 submitters: Benign (1); Likely benign (5). 2 of the submissions do not count toward it. Last evaluated 2026-02-02.

Conditions:
PMM2-related disorder. Also called: PMM2-related condition.
PMM2-congenital disorder of glycosylation. Also called: Congenital disorder of glycosylation, type Ia; CDG Ia; JAEKEN SYNDROME; PMM2-CDG; PHOSPHOMANNOMUTASE 2 DEFICIENCY; CARBOHYDRATE-DEFICIENT GLYCOPROTEIN SYNDROME, TYPE Ia. Identifiers: Orphanet 79318, MedGen C0349653, MONDO:0008907, OMIM 212065.

Allele frequency attached by ClinVar (database versions not stated): ESP Exome Variant Server 0.00008; gnomAD 0.00027 and 0.00031; 1000 Genomes Project 0.00060; TOPMed 0.00061; 1000 Genomes Project 30x 0.00062; ExAC 0.00102.
gnomAD v4.1: 636 of 1,569,762 alleles (0.041%); highest among the groups gnomAD compares: East Asian, 0.67%; 7 homozygotes.

Submissions (8):

Labcorp Genetics (formerly Invitae), Labcorp
Classification: Benign for PMM2-congenital disorder of glycosylation. Last evaluated: 2026-02-02. Review status: criteria provided, single submitter. Criteria: Invitae Variant Classification Sherloc (09022015). Collection method: clinical testing. Allele origin: germline.

Blueprint Genetics
Classification: Likely benign. Last evaluated: 2024-11-15. Review status: criteria provided, single submitter. Criteria: ACMG Guidelines, 2015. Collection method: clinical testing. Allele origin: germline.

Fulgent Genetics
Classification: Likely benign for PMM2-congenital disorder of glycosylation. Last evaluated: 2021-08-30. Review status: criteria provided, single submitter. Criteria: ACMG Guidelines, 2015. Collection method: clinical testing. Allele origin: unknown.

GeneDx
Classification: Likely benign. Last evaluated: 2017-11-13. Review status: criteria provided, single submitter. Criteria: GeneDx Variant Classification (06012015). Collection method: clinical testing. Allele origin: germline. Affected: yes.
Comment: This variant is considered likely benign or benign based on one or more of the following criteria: it is a conservative change, it occurs at a poorly conserved position in the protein, it is predicted to be benign by multiple in silico algorithms, and/or has population frequency not consistent with disease.

Illumina Laboratory Services, Illumina
Classification: Likely benign for PMM2-congenital disorder of glycosylation. Last evaluated: 2017-04-28. Review status: criteria provided, single submitter. Criteria: ICSL Variant Classification Criteria 13 December 2019. Collection method: clinical testing. Allele origin: germline.
Comment: This variant was observed as part of a predisposition screen in an ostensibly healthy population. A literature search was performed for the gene, cDNA change, and amino acid change (where applicable). Publications were found based on this search. The evidence from the literature, in combination with allele frequency data from public databases where available, was sufficient to determine this variant is unlikely to cause disease. Therefore, this variant is classified as likely benign.

Eurofins Ntd Llc (ga)
Classification: Likely benign. Last evaluated: 2016-06-01. Review status: criteria provided, single submitter. Criteria: EGL Classification Definitions 2015. Collection method: clinical testing. Allele origin: germline. Observed: 3 variant alleles, 3 heterozygotes.

PreventionGenetics, part of Exact Sciences
Classification: Likely benign for PMM2-related condition. Last evaluated: 2024-01-21. Review status: no assertion criteria provided. Collection method: clinical testing. Allele origin: germline. Not counted in ClinVar's aggregate classification.
Comment: This variant is classified as likely benign based on ACMG/AMP sequence variant interpretation guidelines (Richards et al. 2015 PMID: 25741868, with internal and published modifications).

Natera, Inc.
Classification: Benign for Congenital disorder of glycosylation type 1a. Last evaluated: 2019-12-09. Review status: no assertion criteria provided. Collection method: clinical testing. Allele origin: germline. Not counted in ClinVar's aggregate classification.

Literature cited by the submitters: PubMed 23806237 (cited by Illumina Laboratory Services, Illumina).

NM_000303.3(PMM2):c.366C>T (p.Phe122=)

Gene: PMM2 (phosphomannomutase 2; plus strand). Cytogenetic location: 16p13.2.
Variant type: single nucleotide variant.
Coding change: c.366C>T on transcript NM_000303.3 (MANE Select); coding-DNA position 366, C replaced by T.
Protein change: p.Phe122=; no amino-acid change (phenylalanine 122 retained).
Molecular consequence: synonymous variant.
Genome position (GRCh38, 1-based): chr16:8,811,097, C>T. VCF-style: chr16-8811097-C-T. GRCh37 (hg19) VCF-style: chr16-8904954-C-T.
Identifiers: ClinVar variation 281078 (VCV000281078.26), dbSNP rs145714866, ClinGen allele CA7894038.